The following is an entry in ClinVar:

ClinVar aggregate classification (germline): Pathogenic/Likely pathogenic. Review status: criteria provided, multiple submitters, no conflicts (2 of 4 stars). 3 submissions from 3 submitters: Pathogenic (2); Likely pathogenic (1). Last evaluated 2024-04-19.

Conditions:
Medium-chain acyl-coenzyme A dehydrogenase deficiency (ACADMD). Also called: Medium chain acyl-CoA dehydrogenase deficiency; ACADM DEFICIENCY; CARNITINE DEFICIENCY SECONDARY TO MEDIUM-CHAIN ACYL-CoA DEHYDROGENASE DEFICIENCY; MCADH DEFICIENCY; MCADD; MCAD Deficiency. Identifiers: Orphanet 42, MedGen C0220710, MONDO:0008721, OMIM 201450.

Submissions (3):

Natera, Inc.
Classification: Likely pathogenic for Medium Chain Acyl-CoA Dehydrogenase Deficiency. Last evaluated: 2024-04-19. Review status: criteria provided, single submitter. Criteria: Natera Variant Classification Schema (03/2026). Collection method: clinical testing. Allele origin: germline.
Comment: The c.882_883delAG variant in ACADM is a frameshift variant predicted to shift the reading frame beginning at codon 294 and leads to a stop codon 4 codons downstream. This variant is expected to result in nonsense mediated decay, truncation, or a dysfunctional protein product. This variant is rare in the general population with a frequency below the threshold expected for the associated phenotype(s). Given the available evidence, this variant is classified as Likely Pathogenic.

Labcorp Genetics (formerly Invitae), Labcorp
Classification: Pathogenic for Medium-chain acyl-coenzyme A dehydrogenase deficiency. Last evaluated: 2018-04-23. Review status: criteria provided, single submitter. Criteria: Invitae Variant Classification Sherloc (09022015). Collection method: clinical testing. Allele origin: germline.
Comment: This variant is not present in population databases (ExAC no frequency). This sequence change creates a premature translational stop signal (p.Arg294Serfs*4) in the ACADM gene. It is expected to result in an absent or disrupted protein product. This variant has not been reported in the literature in individuals with ACADM-related disease. ClinVar contains an entry for this variant (Variation ID: 203549). For these reasons, this variant has been classified as Pathogenic. Loss-of-function variants in ACADM are known to be pathogenic (PMID: 16121256, 20434380).

GeneDx
Classification: Pathogenic. Last evaluated: 2014-09-18. Review status: criteria provided, single submitter. Criteria: GeneDx Variant Classification (06012015). Collection method: clinical testing. Allele origin: germline. Affected: yes.
Comment: The c.882_883delAG mutation in the ACADM gene causes a frameshift starting with codon Arginine 294, changes this amino acid to a Serine residue and creates a premature Stop codon at position 4 of the new reading frame, denoted p.Arg294SerfsX4. This mutation is predicted to cause loss of normal protein function either through protein truncation or nonsense-mediated mRNA decay. Although this mutation has not been previously reported to our knowledge, it is predicted to be a pathogenic mutation. The variant is found in ACADM panel(s).

Literature cited by the submitters: PubMed 16121256 (cited by Labcorp Genetics (formerly Invitae), Labcorp); PubMed 20434380 (cited by Labcorp Genetics (formerly Invitae), Labcorp).

NM_000016.6(ACADM):c.882_883del (p.Arg294fs)

Gene: ACADM (acyl-CoA dehydrogenase medium chain; plus strand). Cytogenetic location: 1p31.1.
Variant type: Microsatellite.
Coding change: c.882_883del on transcript NM_000016.6 (MANE Select); coding-DNA positions 882 to 883, 2 bases deleted (AG; older notation c.882_883delAG).
Protein change: p.Arg294fs; shifts the reading frame from arginine 294.
Molecular consequence: frameshift variant.
Genome position (GRCh38, 1-based): chr1:75,750,483-75,750,484, AG deleted; deleting any 2 consecutive bases within chr1:75,750,481-75,750,484 gives the same sequence; the c. name uses the placement nearest the transcript's 3' end. VCF-style (leftmost placement, unchanged base first): chr1-75750480-AAG-A. GRCh37 (hg19) VCF-style: chr1-76216165-AAG-A.
Other names: c.882_883delAG (NM_000016.5); c.894_895del, p.Arg298fs (NM_001127328.3); c.774_775del, p.Arg258fs (NM_001286042.2); c.981_982del, p.Arg327fs (NM_001286043.2); c.315_316del, p.Arg105fs (NM_001286044.2); short protein forms R294fs, R298fs, R327fs, R105fs, R258fs.
Identifiers: ClinVar variation 203549 (VCV000203549.7), dbSNP rs796051901, ClinGen allele CA312203.